The following is an entry in ClinVar:

ClinVar aggregate classification (germline): Likely benign. Review status: criteria provided, multiple submitters, no conflicts (2 of 4 stars). 3 submissions from 3 submitters: Likely benign (2). 1 of the submissions does not count toward it. Last evaluated 2025-04-18.

Conditions:
GPR143-related disorder. Also called: GPR143-related condition.

Allele frequency attached by ClinVar (database versions not stated): gnomAD exomes 0.00001; TOPMed 0.00001; gnomAD 0.00003.
gnomAD v4.1: 11 of 1,119,770 alleles (0.00098%); highest among the groups gnomAD compares: Middle Eastern, 0.031%; no homozygotes.

Submissions (3):

Labcorp Genetics (formerly Invitae), Labcorp
Classification: Likely benign. Last evaluated: 2025-04-18. Review status: criteria provided, single submitter. Criteria: Invitae Variant Classification Sherloc (09022015). Collection method: clinical testing. Allele origin: germline.

Blueprint Genetics
Classification: Likely benign. Last evaluated: 2024-04-03. Review status: criteria provided, single submitter. Criteria: ACMG Guidelines, 2015. Collection method: clinical testing. Allele origin: germline.

PreventionGenetics, part of Exact Sciences
Classification: Likely benign for GPR143-related condition. Last evaluated: 2019-04-25. Review status: no assertion criteria provided. Collection method: clinical testing. Allele origin: germline. Not counted in ClinVar's aggregate classification.
Comment: This variant is classified as likely benign based on ACMG/AMP sequence variant interpretation guidelines (Richards et al. 2015 PMID: 25741868, with internal and published modifications).

NM_000273.3(GPR143):c.100C>T (p.Leu34=)

Gene: GPR143 (G protein-coupled receptor 143; minus strand). Cytogenetic location: Xp22.2.
Variant type: single nucleotide variant.
Coding change: c.100C>T on transcript NM_000273.3 (MANE Select); coding-DNA position 100, C replaced by T.
Protein change: p.Leu34=; no amino-acid change (leucine 34 retained).
Molecular consequence: synonymous variant.
Genome position (GRCh38, 1-based): chrX:9,765,718, G>A on the plus strand (C>T on the coding strand, the complement: GPR143 is on the minus strand). VCF-style: chrX-9765718-G-A. GRCh37 (hg19) VCF-style: chrX-9733758-G-A.
Other names: c.100C>T (NM_000273.2).
Identifiers: ClinVar variation 1980182 (VCV001980182.7), dbSNP rs1223791039, ClinGen allele CA515116199.